The following is an entry in ClinVar:

NM_020719.3(PRR12):c.1606G>A (p.Gly536Ser)

Gene: PRR12 (proline rich 12; plus strand). Cytogenetic location: 19q13.33.
Variant type: single nucleotide variant.
Coding change: c.1606G>A on transcript NM_020719.3 (MANE Select); coding-DNA position 1606, G replaced by A.
Protein change: p.Gly536Ser; replaces glycine 536 with serine.
Molecular consequence: missense variant.
Genome position (GRCh38, 1-based): chr19:49,595,941, G>A. VCF-style: chr19-49595941-G-A. GRCh37 (hg19) VCF-style: chr19-50099198-G-A.
Other names: short protein forms G536S.
Identifiers: ClinVar variation 725056 (VCV000725056.32), dbSNP rs200340380, ClinGen allele CA9577902.

ClinVar aggregate classification (germline): Likely benign. Review status: criteria provided, multiple submitters, no conflicts (2 of 4 stars). 3 submissions from 3 submitters: Likely benign (2). 1 of the submissions does not count toward it. Last evaluated 2026-06-01.

Conditions:
PRR12-related disorder. Also called: PRR12-related condition.

Allele frequency attached by ClinVar (database versions not stated): 1000 Genomes Project 30x 0.00016; 1000 Genomes Project 0.00020; TOPMed 0.00049; ESP Exome Variant Server 0.00076; gnomAD 0.00098 and 0.00103; gnomAD exomes 0.00108; ExAC 0.00128.

Submissions (3):

CeGaT Center for Human Genetics Tuebingen
Classification: Likely benign. Last evaluated: 2026-06-01. Review status: criteria provided, single submitter. Criteria: CeGaT Center For Human Genetics Tuebingen Variant Classification Criteria Version 2. Collection method: clinical testing. Allele origin: germline. Affected: yes. Observed: 8 variant alleles.
Comment: PRR12: BS1

Labcorp Genetics (formerly Invitae), Labcorp
Classification: Likely benign. Last evaluated: 2019-12-31. Review status: criteria provided, single submitter. Criteria: Invitae Variant Classification Sherloc (09022015). Collection method: clinical testing. Allele origin: germline.

PreventionGenetics, part of Exact Sciences
Classification: Benign for PRR12-related condition. Last evaluated: 2022-01-18. Review status: no assertion criteria provided. Collection method: clinical testing. Allele origin: germline. Not counted in ClinVar's aggregate classification.
Comment: This variant is classified as benign based on ACMG/AMP sequence variant interpretation guidelines (Richards et al. 2015 PMID: 25741868, with internal and published modifications).